The following is an entry in ClinVar:

NM_001167.4(XIAP):c.272G>A (p.Arg91Lys)

Gene: XIAP (X-linked inhibitor of apoptosis; plus strand). Cytogenetic location: Xq25.
Variant type: single nucleotide variant.
Coding change: c.272G>A on transcript NM_001167.4 (MANE Select); coding-DNA position 272, G replaced by A.
Protein change: p.Arg91Lys; replaces arginine 91 with lysine.
Molecular consequence: missense variant.
Genome position (GRCh38, 1-based): chrX:123,885,934, G>A. VCF-style: chrX-123885934-G-A. GRCh37 (hg19) VCF-style: chrX-123019784-G-A.
Other names: c.272G>A, p.Arg91Lys (NM_001204401.2, NM_001378590.1, NM_001378591.1 and 1 more transcripts); short protein forms R91K.
Identifiers: ClinVar variation 948411 (VCV000948411.10), dbSNP rs1330516966, ClinGen allele CA414123087.
Genomic context (GRCh38, chrX:123,885,934, plus strand): 5'-ATAGATGGCAATATGGAGACTCAGCAGTTGGAAGACACAGGAAAGTATCCCCAAATTGCA[G>A]ATTTATCAACGGCTTTTATCTTGAAAATAGTGCCACGCAGTCTACAAATTCTGGTATCCA-3'
Protein context (NP_001158.2, residues 81-101): GRHRKVSPNC[Arg91Lys]FINGFYLENS

ClinVar aggregate classification (germline): Uncertain significance. Review status: criteria provided, multiple submitters, no conflicts (2 of 4 stars). 2 submissions from 2 submitters: Uncertain significance (2). Last evaluated 2025-11-20.

Conditions:
X-linked lymphoproliferative disease due to XIAP deficiency. Also called: XIAP DEFICIENCY; XIAP-Related Lymphoproliferative Disease, X-Linked. Identifiers: Orphanet 2442, Orphanet 538934, MedGen C1845076, MONDO:0010385, OMIM 300635.
Inborn genetic diseases. Identifiers: MedGen C0950123, MeSH D030342.

Allele frequency attached by ClinVar (database versions not stated): gnomAD exomes 0.00001; TOPMed 0.00001; gnomAD 0.00002.
gnomAD v4.1: 8 of 1,210,051 alleles (0.00066%); highest among the groups gnomAD compares: Middle Eastern, 0.023%; no homozygotes.

Submissions (2):

Ambry Genetics
Classification: Uncertain significance for Inborn genetic diseases. Last evaluated: 2025-11-20. Review status: criteria provided, single submitter. Criteria: Ambry Variant Classification Scheme 2023. Collection method: clinical testing. Allele origin: germline.

Labcorp Genetics (formerly Invitae), Labcorp
Classification: Uncertain significance for X-linked lymphoproliferative disease due to XIAP deficiency. Last evaluated: 2024-12-10. Review status: criteria provided, single submitter. Criteria: Invitae Variant Classification Sherloc (09022015). Collection method: clinical testing. Allele origin: germline.
Comment: This sequence change replaces arginine, which is basic and polar, with lysine, which is basic and polar, at codon 91 of the XIAP protein (p.Arg91Lys). This variant is not present in population databases (gnomAD no frequency). This variant has not been reported in the literature in individuals affected with XIAP-related conditions. ClinVar contains an entry for this variant (Variation ID: 948411). Invitae Evidence Modeling of protein sequence and biophysical properties (such as structural, functional, and spatial information, amino acid conservation, physicochemical variation, residue mobility, and thermodynamic stability) indicates that this missense variant is not expected to disrupt XIAP protein function with a negative predictive value of 80%. In summary, the available evidence is currently insufficient to determine the role of this variant in disease. Therefore, it has been classified as a Variant of Uncertain Significance.